The following is an entry in ClinVar:

NM_024757.5(EHMT1):c.363C>T (p.Gly121=)

Gene: EHMT1 (euchromatic histone lysine methyltransferase 1; plus strand). Cytogenetic location: 9q34.3.
Variant type: single nucleotide variant.
Coding change: c.363C>T on transcript NM_024757.5 (MANE Select); coding-DNA position 363, C replaced by T.
Protein change: p.Gly121=; no amino-acid change (glycine 121 retained).
Molecular consequence: synonymous variant.
Genome position (GRCh38, 1-based): chr9:137,716,903, C>T. VCF-style: chr9-137716903-C-T. GRCh37 (hg19) VCF-style: chr9-140611355-C-T.
Other names: c.363C>T, p.Gly121= (NM_001145527.2, NM_001354263.2, NM_001354611.2); c.270C>T, p.Gly90= (NM_001354259.2, NM_001354612.2).
Identifiers: ClinVar variation 365994 (VCV000365994.48), dbSNP rs144352877, ClinGen allele CA5374283.

ClinVar aggregate classification (germline): Benign/Likely benign. Review status: criteria provided, multiple submitters, no conflicts (2 of 4 stars). 6 submissions from 6 submitters: Benign (3); Likely benign (3). Last evaluated 2026-01-21.

Conditions:
Inborn genetic diseases. Identifiers: MedGen C0950123, MeSH D030342.
Kleefstra syndrome 1 (KLEFS1). Identifiers: Orphanet 261494, MedGen C0795833, MONDO:0027407, OMIM 610253.

Allele frequency attached by ClinVar (database versions not stated): TOPMed 0.00039; gnomAD exomes 0.00048; ESP Exome Variant Server 0.00054; ExAC 0.00059; gnomAD 0.00060 and 0.00063.
gnomAD v4.1: 844 of 1,613,040 alleles (0.052%); highest among the groups gnomAD compares: Non-Finnish European, 0.064%; 1 homozygote.

Submissions (6):

Labcorp Genetics (formerly Invitae), Labcorp
Classification: Benign for Kleefstra syndrome 1. Last evaluated: 2026-01-21. Review status: criteria provided, single submitter. Criteria: Invitae Variant Classification Sherloc (09022015). Collection method: clinical testing. Allele origin: germline.

CeGaT Center for Human Genetics Tuebingen
Classification: Likely benign. Last evaluated: 2025-10-01. Review status: criteria provided, single submitter. Criteria: CeGaT Center For Human Genetics Tuebingen Variant Classification Criteria Version 2. Collection method: clinical testing. Allele origin: germline. Affected: yes. Observed: 10 variant alleles.
Comment: EHMT1: BP4, BP7

Blueprint Genetics
Classification: Likely benign. Last evaluated: 2024-11-22. Review status: criteria provided, single submitter. Criteria: ACMG Guidelines, 2015. Collection method: clinical testing. Allele origin: germline.

GeneDx
Classification: Benign. Last evaluated: 2019-11-30. Review status: criteria provided, single submitter. Criteria: GeneDx Variant Classification Process June 2021. Collection method: clinical testing. Allele origin: germline. Affected: yes.

Ambry Genetics
Classification: Likely benign for Inborn genetic diseases. Last evaluated: 2017-07-19. Review status: criteria provided, single submitter. Criteria: Ambry Variant Classification Scheme 2023. Collection method: clinical testing. Allele origin: germline.

Breakthrough Genomics
Classification: Benign. Review status: criteria provided, single submitter. Criteria: ACMG Guidelines, 2015. Collection method: not provided. Allele origin: germline. Inheritance: Autosomal dominant inheritance. Affected: yes.